The following is an entry in ClinVar:

ClinVar aggregate classification (germline): Uncertain significance. Review status: criteria provided, multiple submitters, no conflicts (2 of 4 stars). 2 submissions from 2 submitters: Uncertain significance (2). Last evaluated 2024-10-25.

Conditions:
Inborn genetic diseases. Identifiers: MedGen C0950123, MeSH D030342.

Allele frequency attached by ClinVar (database versions not stated): gnomAD 0.00002; ExAC 0.00003; TOPMed 0.00003.
gnomAD v4.1: 53 of 1,613,022 alleles (0.0033%); highest among the groups gnomAD compares: South Asian, 0.014%; no homozygotes.

Submissions (2):

Labcorp Genetics (formerly Invitae), Labcorp
Classification: Uncertain significance. Last evaluated: 2024-10-25. Review status: criteria provided, single submitter. Criteria: Invitae Variant Classification Sherloc (09022015). Collection method: clinical testing. Allele origin: germline.
Comment: This sequence change replaces threonine, which is neutral and polar, with methionine, which is neutral and non-polar, at codon 339 of the CAPN10 protein (p.Thr339Met). This variant is present in population databases (rs748401959, gnomAD 0.006%). This variant has not been reported in the literature in individuals affected with CAPN10-related conditions. ClinVar contains an entry for this variant (Variation ID: 2193513). An algorithm developed to predict the effect of missense changes on protein structure and function (PolyPhen-2) suggests that this variant is likely to be tolerated. In summary, the available evidence is currently insufficient to determine the role of this variant in disease. Therefore, it has been classified as a Variant of Uncertain Significance.

Ambry Genetics
Classification: Uncertain significance for Inborn genetic diseases. Last evaluated: 2023-02-01. Review status: criteria provided, single submitter. Criteria: Ambry Variant Classification Scheme 2023. Collection method: clinical testing. Allele origin: germline.

NM_023083.4(CAPN10):c.1016C>T (p.Thr339Met)

Gene: CAPN10 (calpain 10; plus strand). Cytogenetic location: 2q37.3.
Variant type: single nucleotide variant.
Coding change: c.1016C>T on transcript NM_023083.4 (MANE Select); coding-DNA position 1016, C replaced by T.
Protein change: p.Thr339Met; replaces threonine 339 with methionine.
Molecular consequence: missense variant.
Genome position (GRCh38, 1-based): chr2:240,595,042, C>T. VCF-style: chr2-240595042-C-T. GRCh37 (hg19) VCF-style: chr2-241534459-C-T.
Other names: c.1016C>T, p.Thr339Met (NM_023085.4); c.1016C>T (NM_023083.3); short protein forms T339M.
Identifiers: ClinVar variation 2193513 (VCV002193513.6), dbSNP rs748401959, ClinGen allele CA2205706.